The following is an entry in ClinVar:

ClinVar aggregate classification (germline): Uncertain significance (1 of 4 stars; one submission).

Conditions:
Inborn genetic diseases. Identifiers: MedGen C0950123, MeSH D030342.

Submission:

Ambry Genetics
Classification: Uncertain significance for Inborn genetic diseases. Last evaluated: 2025-06-07. Review status: criteria provided, single submitter. Criteria: Ambry Variant Classification Scheme 2023. Collection method: clinical testing. Allele origin: germline.
Comment: The c.449_450insA (p.G151Rfs*103) alteration, located in exon 1 (coding exon 1) of the ZSWIM6 gene, consists of an insertion of A at position 449, causing a translational frameshift with a predicted alternate stop codon after 103 amino acids. Frameshift alterations are typically deleterious in nature (Richards, 2015). Based on insufficient or conflicting evidence, the clinical significance of this alteration remains unclear.

NM_020928.2(ZSWIM6):c.449_450insA (p.Gly151fs)

Gene: ZSWIM6 (zinc finger SWIM-type containing 6; plus strand). Cytogenetic location: 5q12.1.
Variant type: Insertion.
Coding change: c.449_450insA on transcript NM_020928.2 (MANE Select); coding-DNA positions 449 to 450, A inserted.
Protein change: p.Gly151fs; shifts the reading frame from glycine 151.
Molecular consequence: frameshift variant.
Genome position: GRCh38 VCF-style: chr5-61332721-G-GA. GRCh37 (hg19) VCF-style: chr5-60628548-G-GA.
Other names: short protein forms G151fs.
Identifiers: ClinVar variation 3990607 (VCV003990607.1).